The following is an entry in ClinVar:

NM_001098426.2(SMARCD2):c.442C>T (p.Arg148Ter)

Gene: SMARCD2 (SWI/SNF related BAF chromatin remodeling complex subunit D2; minus strand). Cytogenetic location: 17q23.3.
Variant type: single nucleotide variant.
Coding change: c.442C>T on transcript NM_001098426.2 (MANE Select); coding-DNA position 442, C replaced by T.
Protein change: p.Arg148Ter; replaces arginine 148 with a stop codon.
Molecular consequence: nonsense.
Genome position (GRCh38, 1-based): chr17:63,837,197, G>A on the plus strand (C>T on the coding strand, the complement: SMARCD2 is on the minus strand). VCF-style: chr17-63837197-G-A. GRCh37 (hg19) VCF-style: chr17-61914557-G-A.
Other names: c.217C>T, p.Arg73Ter (NM_001330439.1); c.298C>T, p.Arg100Ter (NM_001330440.2); short protein forms R148*, R73*, R100*.
Identifiers: ClinVar variation 2018047 (VCV002018047.4), dbSNP rs1423900007, ClinGen allele CA400601340.

ClinVar aggregate classification (germline): Pathogenic (1 of 4 stars; one submission).

Submission:

Labcorp Genetics (formerly Invitae), Labcorp
Classification: Pathogenic. Last evaluated: 2022-09-07. Review status: criteria provided, single submitter. Criteria: Invitae Variant Classification Sherloc (09022015). Collection method: clinical testing. Allele origin: germline.
Comment: This sequence change creates a premature translational stop signal (p.Arg148*) in the SMARCD2 gene. It is expected to result in an absent or disrupted protein product. Loss-of-function variants in SMARCD2 are known to be pathogenic (PMID: 28369036). This variant is present in population databases (no rsID available, gnomAD 0.0009%). This variant has not been reported in the literature in individuals affected with SMARCD2-related conditions. Algorithms developed to predict the effect of sequence changes on RNA splicing suggest that this variant may create or strengthen a splice site. For these reasons, this variant has been classified as Pathogenic.

Literature cited by the submitters: PubMed 28369036.